The following is an entry in ClinVar:

NM_005612.5(REST):c.370G>C (p.Val124Leu)

Gene: REST (RE1 silencing transcription factor; plus strand). Cytogenetic location: 4q12.
Variant type: single nucleotide variant.
Coding change: c.370G>C on transcript NM_005612.5 (MANE Select); coding-DNA position 370, G replaced by C.
Protein change: p.Val124Leu; replaces valine 124 with leucine.
Molecular consequence: missense variant.
Genome position (GRCh38, 1-based): chr4:56,911,008, G>C. VCF-style: chr4-56911008-G-C. GRCh37 (hg19) VCF-style: chr4-57777174-G-C.
Other names: c.370G>C, p.Val124Leu (NM_001193508.2, NM_001363453.3); short protein forms V124L.
Identifiers: ClinVar variation 2889586 (VCV002889586.3), dbSNP rs1719877413, ClinGen allele CA357003617.

ClinVar aggregate classification (germline): Uncertain significance (1 of 4 stars; one submission).

Allele frequency attached by ClinVar (database versions not stated): TOPMed below 0.00001.
gnomAD v4.1: 15 of 1,614,192 alleles (0.00093%); highest among the groups gnomAD compares: Non-Finnish European, 0.0013%; no homozygotes.

Submission:

Labcorp Genetics (formerly Invitae), Labcorp
Classification: Uncertain significance. Last evaluated: 2023-06-14. Review status: criteria provided, single submitter. Criteria: Invitae Variant Classification Sherloc (09022015). Collection method: clinical testing. Allele origin: germline.
Comment: This variant has not been reported in the literature in individuals affected with REST-related conditions. An algorithm developed to predict the effect of missense changes on protein structure and function (PolyPhen-2) suggests that this variant is likely to be disruptive. In summary, the available evidence is currently insufficient to determine the role of this variant in disease. Therefore, it has been classified as a Variant of Uncertain Significance. This variant is not present in population databases (gnomAD no frequency). This sequence change replaces valine, which is neutral and non-polar, with leucine, which is neutral and non-polar, at codon 124 of the REST protein (p.Val124Leu).